The following is an entry in ClinVar:

ClinVar aggregate classification (germline): Uncertain significance (1 of 4 stars; one submission).

Submission:

Labcorp Genetics (formerly Invitae), Labcorp
Classification: Uncertain significance. Last evaluated: 2025-11-15. Review status: criteria provided, single submitter. Criteria: Invitae Variant Classification Sherloc (09022015). Collection method: clinical testing. Allele origin: germline.
Comment: This sequence change replaces glycine, which is neutral and non-polar, with alanine, which is neutral and non-polar, at codon 452 of the ARCN1 protein (p.Gly452Ala). This variant is present in population databases (rs782198490, gnomAD 0.01%). This variant has not been reported in the literature in individuals affected with ARCN1-related conditions. An algorithm developed to predict the effect of missense changes on protein structure and function (PolyPhen-2) suggests that this variant is likely to be disruptive. In summary, the available evidence is currently insufficient to determine the role of this variant in disease. Therefore, it has been classified as a Variant of Uncertain Significance.

NM_001655.5(ARCN1):c.1355G>C (p.Gly452Ala)

Gene: ARCN1 (archain 1 coat protein complex I subunit delta; plus strand). Cytogenetic location: 11q23.3.
Variant type: single nucleotide variant.
Coding change: c.1355G>C on transcript NM_001655.5 (MANE Select); coding-DNA position 1355, G replaced by C.
Protein change: p.Gly452Ala; replaces glycine 452 with alanine.
Molecular consequence: missense variant. On other transcripts: non-coding transcript variant (2), intron variant (3).
Genome position (GRCh38, 1-based): chr11:118,597,820, G>C. VCF-style: chr11-118597820-G-C. GRCh37 (hg19) VCF-style: chr11-118468535-G-C.
Other names: c.1091G>C, p.Gly364Ala (NM_001142281.2); c.1418G>C, p.Gly473Ala (NM_001425073.1); c.1352G>C, p.Gly451Ala (NM_001425074.1); c.1298G>C, p.Gly433Ala (NM_001425075.1); c.1286G>C, p.Gly429Ala (NM_001425076.1); c.1190G>C, p.Gly397Ala (NM_001425077.1); c.911G>C, p.Gly304Ala (NM_001425080.1); c.1242-2805G>C (NM_001425078.1); and 2 more; short protein forms G304A, G364A, G451A, G473A, G397A, G429A, G433A, G452A.
Identifiers: ClinVar variation 4695232 (VCV004695232.1).